The following is an entry in ClinVar:

NM_000322.5(PRPH2):c.458A>C (p.Lys153Thr)

Gene: PRPH2 (peripherin 2; minus strand). Cytogenetic location: 6p21.1.
Variant type: single nucleotide variant.
Coding change: c.458A>C on transcript NM_000322.5 (MANE Select); coding-DNA position 458, A replaced by C.
Protein change: p.Lys153Thr; replaces lysine 153 with threonine.
Molecular consequence: missense variant.
Genome position (GRCh38, 1-based): chr6:42,721,877, T>G on the plus strand (A>C on the coding strand, the complement: PRPH2 is on the minus strand). VCF-style: chr6-42721877-T-G. GRCh37 (hg19) VCF-style: chr6-42689615-T-G.
Other names: short protein forms K153T.
Identifiers: ClinVar variation 973716 (VCV000973716.2), dbSNP rs61755785, ClinGen allele CA364137514.

ClinVar aggregate classification (germline): Uncertain significance. Review status: criteria provided, single submitter (1 of 4 stars). 2 submissions from 2 submitters: Uncertain significance (1). 1 of the submissions does not count toward it. Last evaluated 2020-01-07.

Conditions:
Stargardt disease (FFM). Also called: Stargardt's disease; Fundus flavimaculatus. Identifiers: Orphanet 827, MedGen C0271093, MONDO:0019353.

Submissions (2):

NEI Ophthalmic Genomics Laboratory, National Institutes of Health
Classification: Uncertain significance for Stargardt disease. Last evaluated: 2020-01-07. Review status: criteria provided, single submitter. Criteria: ACMG Guidelines, 2015. Collection method: clinical testing. Allele origin: germline. Affected: yes.
Comment: The variant NM_000322.4:c.458A>C in the PRPH2 gene has not been reported to our knowledge . This variant is not listed in dbSNP and/or HGMD. It is absent in gnomAD browser. It is not enriched in the PRPH2 disease cohort. We invoked ACMG criteria [PM1, PM2, PP3] and classified NM_000322.4:c.458A>C in the PRPH2 gene as a Variant of Uncertain Significance.

Leiden Open Variation Database
Classification: Uncertain significance. Last evaluated: 2021-04-06. Review status: no assertion criteria provided. Collection method: curation. Allele origin: germline. Affected: yes. Not counted in ClinVar's aggregate classification.
Comment: Curator: Global Variome, with Curator vacancy. Submitter to LOVD: Manon Peeters.

Literature cited by the submitters: PubMed 32531846 (cited by Leiden Open Variation Database).